The following is an entry in ClinVar:

NM_201384.3(PLEC):c.1786C>G (p.Arg596Gly)

Gene: PLEC (plectin; minus strand). Cytogenetic location: 8q24.3.
Variant type: single nucleotide variant.
Coding change: c.1786C>G on transcript NM_201384.3 (MANE Select); coding-DNA position 1786, C replaced by G.
Protein change: p.Arg596Gly; replaces arginine 596 with glycine.
Molecular consequence: missense variant.
Genome position (GRCh38, 1-based): chr8:143,932,664, G>C on the plus strand (C>G on the coding strand, the complement: PLEC is on the minus strand). VCF-style: chr8-143932664-G-C. GRCh37 (hg19) VCF-style: chr8-145006832-G-C.
Other names: c.1867C>G, p.Arg623Gly (NM_000445.5); c.1744C>G, p.Arg582Gly (NM_201378.4); c.1720C>G, p.Arg574Gly (NM_201379.3); c.2197C>G, p.Arg733Gly (NM_201380.4); c.1690C>G, p.Arg564Gly (NM_201381.3); c.1786C>G, p.Arg596Gly (NM_201382.4); c.1798C>G, p.Arg600Gly (NM_201383.3); short protein forms R600G, R733G, R564G, R582G, R623G, R574G, R596G.
Identifiers: ClinVar variation 839277 (VCV000839277.5), dbSNP rs556691235, ClinGen allele CA4927857.

ClinVar aggregate classification (germline): Uncertain significance. Review status: criteria provided, multiple submitters, no conflicts (2 of 4 stars). 2 submissions from 2 submitters: Uncertain significance (2). Last evaluated 2021-05-01.

Conditions:
Epidermolysis bullosa simplex 5C, with pyloric atresia (EBS5C). Also called: PLEC1-Related Epidermolysis Bullosa with Pyloric Atresia; Epidermolysis bullosa simplex with pyloric atresia; PLEC-Related Epidermolysis Bullosa with Pyloric Atresia. Identifiers: Orphanet 158684, MedGen C2677349, MONDO:0012807, OMIM 612138.
Epidermolysis bullosa simplex with nail dystrophy (EBS5D). Identifiers: MedGen C4225309, MONDO:0014661, OMIM 616487.
Epidermolysis bullosa simplex 5B, with muscular dystrophy (EBS5B). Also called: EPIDERMOLYSIS BULLOSA SIMPLEX AND LIMB-GIRDLE MUSCULAR DYSTROPHY; Epidermolysis bullosa simplex with muscular dystrophy. Identifiers: Orphanet 257, MedGen C2931072, MONDO:0009181, OMIM 226670.
Epidermolysis bullosa simplex, Ogna type (EBS5A). Also called: Pidermolysis bullosa simplex 5A, Ogna type; EPIDERMOLYSIS BULLOSA SIMPLEX 5A, OGNA TYPE. Identifiers: Orphanet 79401, MedGen C0432317, MONDO:0007555, OMIM 131950.
Autosomal recessive limb-girdle muscular dystrophy type 2Q (LGMDR17). Also called: MUSCULAR DYSTROPHY, LIMB-GIRDLE, AUTOSOMAL RECESSIVE 17. Identifiers: Orphanet 254361, MedGen C3150989, MONDO:0013390, OMIM 613723.

Allele frequency attached by ClinVar (database versions not stated): 1000 Genomes Project 30x 0.00016; 1000 Genomes Project 0.00020.
gnomAD v4.1: 11 of 1,610,680 alleles (0.00068%); highest among the groups gnomAD compares: East Asian, 0.0022%; no homozygotes.

Submissions (2):

Revvity Omics, Revvity
Classification: Uncertain significance. Last evaluated: 2021-05-01. Review status: criteria provided, single submitter. Criteria: ACMG Guidelines, 2015. Collection method: clinical testing. Allele origin: germline.

Labcorp Genetics (formerly Invitae), Labcorp
Classification: Uncertain significance for Autosomal recessive limb-girdle muscular dystrophy type 2Q; Epidermolysis bullosa simplex, Ogna type; Epidermolysis bullosa simplex with nail dystrophy; Epidermolysis bullosa simplex 5C, with pyloric atresia; Epidermolysis bullosa simplex 5B, with muscular dystrophy. Last evaluated: 2019-12-19. Review status: criteria provided, single submitter. Criteria: Invitae Variant Classification Sherloc (09022015). Collection method: clinical testing. Allele origin: germline.
Comment: This sequence change replaces arginine with glycine at codon 623 of the PLEC protein (p.Arg623Gly). The arginine residue is highly conserved and there is a moderate physicochemical difference between arginine and glycine. This variant is present in population databases (rs556691235, ExAC 0.01%). This variant has not been reported in the literature in individuals with PLEC-related conditions. Algorithms developed to predict the effect of missense changes on protein structure and function are either unavailable or do not agree on the potential impact of this missense change (SIFT: Deleterious; PolyPhen-2: Not Available; Align-GVGD: Class C4). In summary, the available evidence is currently insufficient to determine the role of this variant in disease. Therefore, it has been classified as a Variant of Uncertain Significance. 5